The following is an entry in ClinVar:

ClinVar aggregate classification (germline): Pathogenic. Review status: criteria provided, multiple submitters, no conflicts (2 of 4 stars). 8 submissions from 8 submitters: Pathogenic (8). Last evaluated 2025-02-06.

Conditions:
Niemann-Pick disease, type B. Also called: Chronic Visceral ASMD (Niemann-Pick Disease Type B; NPD-B). Identifiers: Orphanet 77293, MedGen C0268243, MONDO:0011871, OMIM 607616. Disease mechanism: loss of function.
Niemann-Pick disease, type A. Also called: Infantile Neurovisceral ASMD (Niemann-Pick Disease Type A; NPD-A); SPHINGOMYELIN LIPIDOSIS; SPHINGOMYELINASE DEFICIENCY. Identifiers: Orphanet 77292, MedGen C0268242, MONDO:0009756, OMIM 257200. Disease mechanism: loss of function.
Niemann-Pick disease, type C1. Also called: NIEMANN-PICK DISEASE, VARIANT TYPE C1; NEUROVISCERAL STORAGE DISEASE WITH VERTICAL SUPRANUCLEAR OPHTHALMOPLEGIA; NIEMANN-PICK DISEASE WITH CHOLESTEROL ESTERIFICATION BLOCK; NIEMANN-PICK DISEASE WITHOUT SPHINGOMYELINASE DEFICIENCY; NIEMANN-PICK DISEASE, CHRONIC NEURONOPATHIC FORM. Identifiers: Orphanet 646, MedGen C3179455, MONDO:0009757, OMIM 257220.

Allele frequency attached by ClinVar (database versions not stated): TOPMed below 0.00001; ExAC 0.00001; gnomAD 0.00001.
gnomAD v4.1: 3 of 1,612,640 alleles (0.00019%); highest among the groups gnomAD compares: African/African-American, 0.0013%; no homozygotes.

Submissions (8):

Natera, Inc.
Classification: Pathogenic for Niemann-Pick Disease, Types A/B. Last evaluated: 2025-02-06. Review status: criteria provided, single submitter. Criteria: Natera Variant Classification Schema (03/2026). Collection method: clinical testing. Allele origin: germline.
Comment: The c.1252C>T variant in SMPD1 is a nonsense variant predicted to introduce a stop codon at amino acid 418. This variant is expected to result in nonsense mediated decay, truncation, or a dysfunctional protein product. This variant is rare in the general population with a frequency below the threshold expected for the associated phenotype(s). This variant has been observed in one or more individuals affected with the associated recessive disease, as either homozygous or compound heterozygous with a second variant (PMID: 27338287). Given the available evidence, this variant is classified as Pathogenic.

Fulgent Genetics
Classification: Pathogenic for Niemann-Pick disease, type A; Niemann-Pick disease, type B. Last evaluated: 2024-04-27. Review status: criteria provided, single submitter. Criteria: ACMG Guidelines, 2015. Collection method: clinical testing. Allele origin: germline.

Labcorp Genetics (formerly Invitae), Labcorp
Classification: Pathogenic for Niemann-Pick disease, type B; Niemann-Pick disease, type A. Last evaluated: 2023-11-18. Review status: criteria provided, single submitter. Criteria: Invitae Variant Classification Sherloc (09022015). Collection method: clinical testing. Allele origin: germline.
Comment: This sequence change creates a premature translational stop signal (p.Arg418*) in the SMPD1 gene. It is expected to result in an absent or disrupted protein product. Loss-of-function variants in SMPD1 are known to be pathogenic (PMID: 12369017, 15221801). This variant is not present in population databases (gnomAD no frequency). This premature translational stop signal has been observed in individuals with Niemann-Pick disease Type A (PMID: 15221801, 27338287). This variant is also known as p.R416X. ClinVar contains an entry for this variant (Variation ID: 813480). Algorithms developed to predict the effect of sequence changes on RNA splicing suggest that this variant may disrupt the consensus splice site. For these reasons, this variant has been classified as Pathogenic.

Neuberg Centre For Genomic Medicine, NCGM
Classification: Pathogenic for Niemann-Pick disease, type C1. Last evaluated: 2023-02-14. Review status: criteria provided, single submitter. Criteria: ACMG Guidelines, 2015. Collection method: clinical testing. Allele origin: germline. Inheritance: Autosomal recessive inheritance. Affected: yes.
Comment: The stop-gained variant c.1252C>T (p.Arg418Ter) in the SMPD1 gene has been reported in compound heterozygous and homozygous state in many individuals affected with Niemann-Pick disease (Ricci et al., 2004; Ranganath et al., 2016). The variant is novel (not in any individuals) in gnomAD Exomes and 1000 Genomes. It has been submitted to ClinVar as Pathogenic (Multiple submissions). This variant is predicted to cause a loss of normal protein function through protein truncation. Loss of function variants has been previously reported to be disease causing. For these reasons, this variant has been classified as Pathogenic.

Women's Health and Genetics/Laboratory Corporation of America, LabCorp
Classification: Pathogenic for Niemann-Pick disease, type A. Last evaluated: 2021-09-23. Review status: criteria provided, single submitter. Criteria: LabCorp Variant Classification Summary - May 2015. Collection method: clinical testing. Allele origin: germline.
Comment: Variant summary: SMPD1 c.1252C>T (p.Arg418X) results in a premature termination codon, predicted to cause a truncation of the encoded protein or absence of the protein due to nonsense mediated decay, which are commonly known mechanisms for disease. Truncations downstream of this position have been classified as pathogenic by our laboratory. The variant was absent in 248018 control chromosomes (gnomAD). c.1252C>T has been reported in the literature in multiple homozygous and compound heterozygous individuals affected with Niemann-Pick Disease Type A (Ricci_2004, Ranganath_2016, Yubero_2016). These data indicate that the variant is very likely to be associated with disease. At least one publication also reported enzyme activity measurements from homozygous patient derived leukocytes, and demonstrated almost complete lack of acid sphingomyelinase enzyme activity (Ranganath_2016). Two clinical diagnostic laboratories have submitted clinical-significance assessments for this variant to ClinVar after 2014 without evidence for independent evaluation. All laboratories classified the variant as pathogenic. Based on the evidence outlined above, the variant was classified as pathogenic.

Diagnostics Division, CENTRE FOR DNA FINGERPRINTING AND DIAGNOSTICS
Classification: Pathogenic for Niemann-Pick disease, type A. Last evaluated: 2021-04-25. Review status: criteria provided, single submitter. Criteria: ACMG Guidelines, 2015. Collection method: research. Allele origin: germline. Affected: yes. Observed: 1 variant allele.

Baylor Genetics
Classification: Pathogenic for Niemann-Pick disease, type A. Review status: criteria provided, single submitter. Criteria: ACMG Guidelines, 2015. Collection method: clinical testing. Allele origin: germline.

Kasturba Medical College, Manipal, Kasturba Medical College, Manipal, Manipal Academy of Higher Education, Manipal, India
Classification: Pathogenic for Niemann-Pick disease, type A. Review status: criteria provided, single submitter. Criteria: ACMG Guidelines, 2015. Collection method: clinical testing. Allele origin: biparental. Inheritance: Autosomal recessive inheritance. Affected: yes. Observed: 1 homozygote.

Literature cited by the submitters: PubMed 27338287 (cited by 3 submitters); PubMed 12369017 (cited by Labcorp Genetics (formerly Invitae), Labcorp); PubMed 15221801 (cited by Labcorp Genetics (formerly Invitae), Labcorp and Women's Health and Genetics/Laboratory Corporation of America, LabCorp); PubMed 26499107 (cited by Women's Health and Genetics/Laboratory Corporation of America, LabCorp); PubMed 27243974 (cited by Women's Health and Genetics/Laboratory Corporation of America, LabCorp).

NM_000543.5(SMPD1):c.1252C>T (p.Arg418Ter)

Gene: SMPD1 (sphingomyelin phosphodiesterase 1; plus strand). Cytogenetic location: 11p15.4.
Variant type: single nucleotide variant.
Coding change: c.1252C>T on transcript NM_000543.5 (MANE Select); coding-DNA position 1252, C replaced by T.
Protein change: p.Arg418Ter; replaces arginine 418 with a stop codon.
Molecular consequence: nonsense. On other transcripts: non-coding transcript variant (1), intron variant (1).
Genome position (GRCh38, 1-based): chr11:6,393,376, C>T. VCF-style: chr11-6393376-C-T. GRCh37 (hg19) VCF-style: chr11-6414606-C-T.
Other names: c.1249C>T, p.Arg417Ter (NM_001007593.3); c.1252C>T, p.Arg418Ter (NM_001318087.2); c.331C>T, p.Arg111Ter (NM_001318088.2); c.1132-241C>T (NM_001365135.2); short protein forms R417*, R418*, R111*.
Identifiers: ClinVar variation 813480 (VCV000813480.22), dbSNP rs755160837, ClinGen allele CA5852824.
Genomic context (GRCh38, chr11:6,393,376, plus strand): 5'-TCCACGGATCCCGCAGGACAGCTCCAGTGGCTGGTGGGGGAGCTTCAGGCTGCTGAGGAT[C>T]GAGGAGACAAAGTGAGGGCCAGTAGTGGGAACACGGTGGTGCTGGGGGACAAGCAGGCTC-3'